The following is an entry in ClinVar:

ClinVar aggregate classification (germline): Benign. Review status: criteria provided, multiple submitters, no conflicts (2 of 4 stars). 6 submissions from 6 submitters: Benign (5). 1 of the submissions does not count toward it. Last evaluated 2025-10-26.

Conditions:
Microcephaly 2, primary, autosomal recessive, with or without cortical malformations. Also called: MICROCEPHALY 2, PRIMARY, AUTOSOMAL RECESSIVE, WITH CORTICAL MALFORMATIONS; WDR62 Primary Microcephaly. Identifiers: Orphanet 2512, MedGen C1858535, MONDO:0011435, OMIM 604317.

Allele frequency attached by ClinVar (database versions not stated): ESP Exome Variant Server 0.00024; gnomAD exomes 0.00144 and 0.00438; gnomAD 0.00148 and 0.00217; ExAC 0.00228; TOPMed 0.00247; 1000 Genomes Project 30x 0.01077; 1000 Genomes Project 0.01138.
gnomAD v4.1: 2,423 of 1,551,608 alleles (0.16%); highest among the groups gnomAD compares: East Asian, 5.1%; 57 homozygotes.

Submissions (6):

Labcorp Genetics (formerly Invitae), Labcorp
Classification: Benign. Last evaluated: 2025-10-26. Review status: criteria provided, single submitter. Criteria: Invitae Variant Classification Sherloc (09022015). Collection method: clinical testing. Allele origin: germline.

Genome-Nilou Lab
Classification: Benign for Microcephaly 2, primary, autosomal recessive, with or without cortical malformations. Last evaluated: 2021-12-05. Review status: criteria provided, single submitter. Criteria: ACMG Guidelines, 2015. Collection method: clinical testing. Allele origin: germline. Affected: no.

Illumina Laboratory Services, Illumina
Classification: Benign for Microcephaly 2, primary, autosomal recessive, with or without cortical malformations. Last evaluated: 2018-01-13. Review status: criteria provided, single submitter. Criteria: ICSL Variant Classification Criteria 13 December 2019. Collection method: clinical testing. Allele origin: germline.
Comment: This variant was observed in the ICSL laboratory as part of a predisposition screen in an ostensibly healthy population. It had not been previously curated by ICSL or reported in the Human Gene Mutation Database (HGMD: prior to June 1st, 2018), and was therefore a candidate for classification through an automated scoring system. Utilizing variant allele frequency, disease prevalence and penetrance estimates, and inheritance mode, an automated score was calculated to assess if this variant is too frequent to cause the disease. Based on the score and internal cut-off values, a variant classified as benign is not then subjected to further curation. The score for this variant resulted in a classification of benign for this disease.

Athena Diagnostics
Classification: Benign. Last evaluated: 2017-04-25. Review status: criteria provided, single submitter. Criteria: Athena Diagnostics Criteria. Collection method: clinical testing. Allele origin: germline.

GeneDx
Classification: Benign. Last evaluated: 2015-03-19. Review status: criteria provided, single submitter. Criteria: GeneDx Variant Classification (06012015). Collection method: clinical testing. Allele origin: germline. Affected: yes.
Comment: This variant is considered likely benign or benign based on one or more of the following criteria: it is a conservative change, it occurs at a poorly conserved position in the protein, it is predicted to be benign by multiple in silico algorithms, and/or has population frequency not consistent with disease.

Genetic Services Laboratory, University of Chicago
Classification: Likely benign. Review status: no assertion criteria provided. Collection method: clinical testing. Allele origin: germline. Inheritance: Autosomal recessive inheritance. Not counted in ClinVar's aggregate classification.
Comment: Likely benign based on allele frequency in 1000 Genomes Project or ESP global frequency and its presence in a patient with a rare or unrelated disease phenotype. NOT Sanger confirmed

NM_001083961.2(WDR62):c.3033G>A (p.Pro1011=)

Gene: WDR62 (WD repeat domain 62; plus strand). Cytogenetic location: 19q13.12.
Variant type: single nucleotide variant.
Coding change: c.3033G>A on transcript NM_001083961.2 (MANE Select); coding-DNA position 3033, G replaced by A.
Protein change: p.Pro1011=; no amino-acid change (proline 1011 retained).
Molecular consequence: synonymous variant.
Genome position (GRCh38, 1-based): chr19:36,101,725, G>A. VCF-style: chr19-36101725-G-A. GRCh37 (hg19) VCF-style: chr19-36592627-G-A.
Other names: c.3033G>A, p.Pro1011= (NM_173636.5).
Identifiers: ClinVar variation 160278 (VCV000160278.20), dbSNP rs118175551, ClinGen allele CA173925.
Genomic context (GRCh38, chr19:36,101,725, plus strand): 5'-CTCGGGGGAGTCAGAGGCCGACCTGGAGTGCAGCTTCGCAGCCATCCACTCCCCAGCTCC[G>A]CCTCCTGACCCTGCCCCTCGGTTTGCCACGTCGCTGCCCCATTTCCCAGGTAAGCAGGGG-3'
Protein context (NP_001077430.1, residues 1001-1021): CSFAAIHSPA[Pro1011=]PPDPAPRFAT